The following is an entry in ClinVar:

NM_014956.5(CEP164):c.3171T>G (p.Phe1057Leu)

Gene: CEP164 (centrosomal protein 164; plus strand). Cytogenetic location: 11q23.3.
Variant type: single nucleotide variant.
Coding change: c.3171T>G on transcript NM_014956.5 (MANE Select); coding-DNA position 3171, T replaced by G.
Protein change: p.Phe1057Leu; replaces phenylalanine 1057 with leucine.
Molecular consequence: missense variant.
Genome position (GRCh38, 1-based): chr11:117,396,135, T>G. VCF-style: chr11-117396135-T-G. GRCh37 (hg19) VCF-style: chr11-117266851-T-G.
Other names: c.3180T>G, p.Phe1060Leu (NM_001271933.2); c.2796T>G, p.Phe932Leu (NM_001440987.1); c.2811T>G, p.Phe937Leu (NM_001440990.1); c.2736T>G, p.Phe912Leu (NM_001440992.1); c.3177T>G, p.Phe1059Leu (NM_001440949.1); c.3171T>G, p.Phe1057Leu (NM_001440950.1, NM_001440951.1, NM_001440953.1); c.3003T>G, p.Phe1001Leu (NM_001440952.1, NM_001440969.1); c.3093T>G, p.Phe1031Leu (NM_001440954.1, NM_001440955.1, NM_001440958.1 and 1 more transcripts); and 13 more; short protein forms F1001L, F1011L, F1014L, F1027L, F1028L, F937L, F1004L, F1008L.
Identifiers: ClinVar variation 4225994 (VCV004225994.2).
Genomic context (GRCh38, chr11:117,396,135, plus strand): 5'-AAAGAAGCAGCACCTGTTGAGAGAAGTGACAGTTGAGGAAAATAATGCTTCCCCACATTT[T>G]GAGCCAGATCTCCATATTGAGGACCTGAGGAAATCCCTTGGAACAGTGAGCTGGGGGCTG-3'
Protein context (NP_055771.4, residues 1047-1067): TVEENNASPH[Phe1057Leu]EPDLHIEDLR

ClinVar aggregate classification (germline): Uncertain significance. Review status: criteria provided, multiple submitters, no conflicts (2 of 4 stars). 2 submissions from 2 submitters: Uncertain significance (2). Last evaluated 2025-08-29.

Conditions:
Inborn genetic diseases. Identifiers: MedGen C0950123, MeSH D030342.
CEP164-related disorder. Also called: CEP164-related condition.

gnomAD v4.1: 5 of 1,612,652 alleles (0.00031%); highest among the groups gnomAD compares: South Asian, 0.0011%; no homozygotes.

Submissions (2):

Ambry Genetics
Classification: Uncertain significance for Inborn genetic diseases. Last evaluated: 2025-08-29. Review status: criteria provided, single submitter. Criteria: Ambry Variant Classification Scheme 2023. Collection method: clinical testing. Allele origin: germline.

PreventionGenetics, part of Exact Sciences
Classification: Uncertain significance for CEP164-related condition. Last evaluated: 2025-03-14. Review status: criteria provided, single submitter. Criteria: ACMG Guidelines, 2015. Collection method: clinical testing. Allele origin: germline.
Comment: The CEP164 c.3171T>G variant is predicted to result in the amino acid substitution p.Phe1057Leu. To our knowledge, this variant has not been reported in the literature. This variant is reported in 0.0018% of alleles in individuals of European (Non-Finnish) descent in gnomAD. At this time, the clinical significance of this variant is uncertain due to the absence of conclusive functional and genetic evidence.